The following is an entry in ClinVar:

ClinVar aggregate classification (germline): Uncertain significance (1 of 4 stars; one submission).

Conditions:
Hereditary motor and sensory neuropathy, Okinawa type (HMSNO). Also called: HEREDITARY MOTOR AND SENSORY NEUROPATHY, PROXIMAL TYPE. Identifiers: Orphanet 90117, MedGen C1858338, MONDO:0011468, OMIM 604484.
Hereditary spastic paraplegia 57. Also called: Spastic paraplegia 57, autosomal recessive. Identifiers: Orphanet 431329, MedGen C3714897, MONDO:0014295, OMIM 615658.

Allele frequency attached by ClinVar (database versions not stated): gnomAD exomes below 0.00001 and 0.00004; TOPMed below 0.00001; ExAC 0.00001.

Submission:

Labcorp Genetics (formerly Invitae), Labcorp
Classification: Uncertain significance for Hereditary motor and sensory neuropathy, Okinawa type; Hereditary spastic paraplegia 57. Last evaluated: 2025-04-23. Review status: criteria provided, single submitter. Criteria: Invitae Variant Classification Sherloc (09022015). Collection method: clinical testing. Allele origin: germline.
Comment: This sequence change replaces methionine, which is neutral and non-polar, with isoleucine, which is neutral and non-polar, at codon 161 of the TFG protein (p.Met161Ile). This variant is not present in population databases (gnomAD no frequency). This variant has not been reported in the literature in individuals affected with TFG-related conditions. ClinVar contains an entry for this variant (Variation ID: 534743). Invitae Evidence Modeling of protein sequence and biophysical properties (such as structural, functional, and spatial information, amino acid conservation, physicochemical variation, residue mobility, and thermodynamic stability) indicates that this missense variant is not expected to disrupt TFG protein function with a negative predictive value of 80%. In summary, the available evidence is currently insufficient to determine the role of this variant in disease. Therefore, it has been classified as a Variant of Uncertain Significance.

NM_006070.6(TFG):c.483G>A (p.Met161Ile)

Gene: TFG (trafficking from ER to golgi regulator; plus strand). Cytogenetic location: 3q12.2.
Variant type: single nucleotide variant.
Coding change: c.483G>A on transcript NM_006070.6 (MANE Select); coding-DNA position 483, G replaced by A.
Protein change: p.Met161Ile; replaces methionine 161 with isoleucine.
Molecular consequence: missense variant.
Genome position (GRCh38, 1-based): chr3:100,732,575, G>A. VCF-style: chr3-100732575-G-A. GRCh37 (hg19) VCF-style: chr3-100451419-G-A.
Other names: c.483G>A, p.Met161Ile (NM_001007565.2, NM_001195478.2, NM_001195479.2); short protein forms M161I.
Identifiers: ClinVar variation 534743 (VCV000534743.6), dbSNP rs750964585, ClinGen allele CA2517096.